The following is an entry in ClinVar:

NM_022081.6(HPS4):c.-585T>G

Gene: HPS4 (HPS4 biogenesis of lysosomal organelles complex 3 subunit 2; minus strand). Cytogenetic location: 22q12.1.
Variant type: single nucleotide variant.
Coding change: c.-585T>G on transcript NM_022081.6 (MANE Select); 585 bases upstream of the start codon, T replaced by G.
Molecular consequence: 5 prime UTR variant. On other transcripts: non-coding transcript variant (7).
Genome position (GRCh38, 1-based): chr22:26,483,780, A>C on the plus strand (T>G on the coding strand, the complement: HPS4 is on the minus strand). VCF-style: chr22-26483780-A-C. GRCh37 (hg19) VCF-style: chr22-26879746-A-C.
Other names: c.-494T>G (NM_001349896.1, NM_001349901.1, NM_001349902.1 and 1 more transcripts); c.-713T>G (NM_001349898.2); c.-514T>G (NM_001349899.2); c.-585T>G (NM_001349900.2, NM_001349903.2, NM_001349904.2).
Identifiers: ClinVar variation 341035 (VCV000341035.5), dbSNP rs187762406, ClinGen allele CA10645219.

ClinVar aggregate classification (germline): Likely benign (1 of 4 stars; one submission).

Conditions:
Hermansky-Pudlak syndrome 4 (HPS4). Identifiers: Orphanet 231500, Orphanet 79430, MedGen C3484357, MONDO:0013556, OMIM 614073.

Allele frequency attached by ClinVar (database versions not stated): gnomAD 0.00105; TOPMed 0.00139; 1000 Genomes Project 0.00300; 1000 Genomes Project 30x 0.00312.
gnomAD v4.1: 785 of 752,502 alleles (0.1%); highest among the groups gnomAD compares: East Asian, 2.4%; 10 homozygotes.

Submission:

Illumina Laboratory Services, Illumina
Classification: Likely benign for Hermansky-Pudlak syndrome 4. Last evaluated: 2018-01-12. Review status: criteria provided, single submitter. Criteria: ICSL Variant Classification Criteria 13 December 2019. Collection method: clinical testing. Allele origin: germline.
Comment: This variant was observed in the ICSL laboratory as part of a predisposition screen in an ostensibly healthy population. It had not been previously curated by ICSL or reported in the Human Gene Mutation Database (HGMD: prior to June 1st, 2018), and was therefore a candidate for classification through an automated scoring system. Utilizing variant allele frequency, disease prevalence and penetrance estimates, and inheritance mode, an automated score was calculated to assess if this variant is too frequent to cause the disease. Based on the score and internal cut-off values, a variant classified as likely benign is not then subjected to further curation. The score for this variant resulted in a classification of likely benign for this disease.